The following is an entry in ClinVar:

NM_001034850.3(RETREG1):c.1226T>C (p.Met409Thr)

Gene: RETREG1 (reticulophagy regulator 1; minus strand). Cytogenetic location: 5p15.1.
Variant type: single nucleotide variant.
Coding change: c.1226T>C on transcript NM_001034850.3 (MANE Select); coding-DNA position 1226, T replaced by C.
Protein change: p.Met409Thr; replaces methionine 409 with threonine.
Molecular consequence: missense variant.
Genome position (GRCh38, 1-based): chr5:16,475,009, A>G on the plus strand (T>C on the coding strand, the complement: RETREG1 is on the minus strand). VCF-style: chr5-16475009-A-G. GRCh37 (hg19) VCF-style: chr5-16475118-A-G.
Other names: c.803T>C, p.Met268Thr (NM_019000.5); short protein forms M409T, M268T.
Identifiers: ClinVar variation 373272 (VCV000373272.1), dbSNP rs1057518317, ClinGen allele CA16042593.

ClinVar aggregate classification (germline): Uncertain significance (1 of 4 stars; one submission).

Allele frequency attached by ClinVar (database versions not stated): gnomAD 0.00001; TOPMed 0.00001.
gnomAD v4.1: 3 of 1,613,566 alleles (0.00019%); highest among the groups gnomAD compares: Non-Finnish European, 0.00025%; no homozygotes.

Submission:

GeneDx
Classification: Uncertain significance. Last evaluated: 2016-11-11. Review status: criteria provided, single submitter. Criteria: GeneDx Variant Classification (06012015). Collection method: clinical testing. Allele origin: germline. Affected: yes.
Comment: A variant of uncertain significance has been identified in the FAM134B gene. The M409T variant has not been published as a pathogenic variant, nor has it been reported as a benign variant to our knowledge. It was not observed in approximately 6,200 individuals of European and African American ancestry in the NHLBI Exome Sequencing Project, indicating it is not a common benign variant in these populations. The M409T variant is a non-conservative amino acid substitution, which is likely to impact secondary protein structure as these residues differ in polarity, charge, size and/or other properties. This substitution occurs at a position that is conserved across species where amino acids with similar properties to Methionine are tolerated across species. In silico analysis is inconsistent in its predictions as to whether or not the variant is damaging to the protein structure/function. Therefore, based on the currently available information, it is unclear whether this variant is a pathogenic variant or a rare benign variant.